The following is an entry in ClinVar:

ClinVar aggregate classification (germline): Uncertain significance (1 of 4 stars; one submission).

Conditions:
Tuberous sclerosis 1 (TSC1). Identifiers: Orphanet 805, MedGen C1854465, MONDO:0008612, OMIM 191100.

gnomAD v4.1: 2 of 1,613,618 alleles (0.00012%); highest among the groups gnomAD compares: Non-Finnish European, 0.00017%; no homozygotes.

Submission:

Labcorp Genetics (formerly Invitae), Labcorp
Classification: Uncertain significance for Tuberous sclerosis 1. Last evaluated: 2024-04-08. Review status: criteria provided, single submitter. Criteria: Invitae Variant Classification Sherloc (09022015). Collection method: clinical testing. Allele origin: germline.
Comment: This sequence change replaces threonine, which is neutral and polar, with alanine, which is neutral and non-polar, at codon 386 of the TSC1 protein (p.Thr386Ala). This variant is not present in population databases (gnomAD no frequency). This variant has not been reported in the literature in individuals affected with TSC1-related conditions. Advanced modeling of protein sequence and biophysical properties (such as structural, functional, and spatial information, amino acid conservation, physicochemical variation, residue mobility, and thermodynamic stability) performed at Invitae indicates that this missense variant is not expected to disrupt TSC1 protein function with a negative predictive value of 95%. In summary, the available evidence is currently insufficient to determine the role of this variant in disease. Therefore, it has been classified as a Variant of Uncertain Significance.

NM_000368.5(TSC1):c.1156A>G (p.Thr386Ala)

Gene: TSC1 (TSC complex subunit 1; minus strand). Cytogenetic location: 9q34.13.
Variant type: single nucleotide variant.
Coding change: c.1156A>G on transcript NM_000368.5 (MANE Select); coding-DNA position 1156, A replaced by G.
Protein change: p.Thr386Ala; replaces threonine 386 with alanine.
Molecular consequence: missense variant. On other transcripts: non-coding transcript variant (5).
Genome position (GRCh38, 1-based): chr9:132,910,678, T>C on the plus strand (A>G on the coding strand, the complement: TSC1 is on the minus strand). VCF-style: chr9-132910678-T-C. GRCh37 (hg19) VCF-style: chr9-135786065-T-C.
Other names: c.1153A>G, p.Thr385Ala (NM_001162426.2, NM_001406597.1, NM_001406598.1 and 6 more transcripts); c.1003A>G, p.Thr335Ala (NM_001162427.2, NM_001406610.1); c.793A>G, p.Thr265Ala (NM_001362177.2, NM_001406614.1, NM_001406615.1 and 5 more transcripts); c.1156A>G, p.Thr386Ala (NM_001406592.1, NM_001406593.1, NM_001406594.1 and 7 more transcripts); c.1000A>G, p.Thr334Ala (NM_001406611.1, NM_001406612.1, NM_001406613.1); c.202A>G, p.Thr68Ala (NM_001406628.1, NM_001406627.1); c.103A>G, p.Thr35Ala (NM_001406629.1, NM_001406630.1); c.790A>G, p.Thr264Ala (NM_001406620.1, NM_001406621.1, NM_001406622.1 and 2 more transcripts); and 1 more; short protein forms T335A, T265A, T264A, T334A, T35A, T68A, T385A, T386A.
Identifiers: ClinVar variation 3686642 (VCV003686642.2).